The following is an entry in ClinVar:

NM_007272.3(CTRC):c.123G>T (p.Trp41Cys)

Gene: CTRC (chymotrypsin C; plus strand). Cytogenetic location: 1p36.21.
Variant type: single nucleotide variant.
Coding change: c.123G>T on transcript NM_007272.3 (MANE Select); coding-DNA position 123, G replaced by T.
Protein change: p.Trp41Cys; replaces tryptophan 41 with cysteine.
Molecular consequence: missense variant.
Genome position (GRCh38, 1-based): chr1:15,440,382, G>T. VCF-style: chr1-15440382-G-T. GRCh37 (hg19) VCF-style: chr1-15766878-G-T.
Other names: short protein forms W41C.
Identifiers: ClinVar variation 4761752 (VCV004761752.1).
Genomic context (GRCh38, chr1:15,440,382, plus strand): 5'-CTTCCCGCCCAACCTATCCGCCCGAGTGGTGGGAGGAGAGGATGCCCGGCCCCACAGCTG[G>T]CCCTGGCAGGTAAGCCTGTGTAGGGCTGGGAGGTACAGATAGAGAGGGTGGCGGGGTGAG-3'
Protein context (NP_009203.2, residues 31-51): VGGEDARPHS[Trp41Cys]PWQISLQYLK

ClinVar aggregate classification (germline): Uncertain significance (1 of 4 stars; one submission).

Conditions:
Hereditary pancreatitis (PCTT). Also called: PRSS1-Related Hereditary Pancreatitis; Hereditary chronic pancreatitis. Identifiers: Orphanet 676, MedGen C0238339, MONDO:0008185, OMIM 167800.

Submission:

Labcorp Genetics (formerly Invitae), Labcorp
Classification: Uncertain significance for Hereditary pancreatitis. Last evaluated: 2025-08-02. Review status: criteria provided, single submitter. Criteria: Invitae Variant Classification Sherloc (09022015). Collection method: clinical testing. Allele origin: germline.
Comment: This sequence change replaces tryptophan, which is neutral and slightly polar, with cysteine, which is neutral and slightly polar, at codon 41 of the CTRC protein (p.Trp41Cys). This variant is present in population databases (no rsID available, gnomAD 0.006%). This variant has not been reported in the literature in individuals affected with CTRC-related conditions. Invitae Evidence Modeling of protein sequence and biophysical properties (such as structural, functional, and spatial information, amino acid conservation, physicochemical variation, residue mobility, and thermodynamic stability) indicates that this missense variant is expected to disrupt CTRC protein function with a positive predictive value of 95%. In summary, the available evidence is currently insufficient to determine the role of this variant in disease. Therefore, it has been classified as a Variant of Uncertain Significance.